The following is an entry in ClinVar:

NM_004839.4(HOMER2):c.619T>A (p.Cys207Ser)

Gene: HOMER2 (homer scaffold protein 2; minus strand). Cytogenetic location: 15q25.2.
Variant type: single nucleotide variant.
Coding change: c.619T>A on transcript NM_004839.4 (MANE Select); coding-DNA position 619, T replaced by A.
Protein change: p.Cys207Ser; replaces cysteine 207 with serine.
Molecular consequence: missense variant.
Genome position (GRCh38, 1-based): chr15:82,854,676, A>T on the plus strand (T>A on the coding strand, the complement: HOMER2 is on the minus strand). VCF-style: chr15-82854676-A-T. GRCh37 (hg19) VCF-style: chr15-83523428-A-T.
Other names: c.652T>A, p.Cys218Ser (NM_199330.3); short protein forms C207S, C218S.
Identifiers: ClinVar variation 4979706 (VCV004979706.1).

ClinVar aggregate classification (germline): Uncertain significance (1 of 4 stars; one submission).

Conditions:
HOMER2-related disorder. Also called: HOMER2-related condition.

gnomAD v4.1: 2 of 1,613,134 alleles (0.00012%); highest among the groups gnomAD compares: East Asian, 0.0022%; no homozygotes.

Submission:

PreventionGenetics, part of Exact Sciences
Classification: Uncertain significance for HOMER2-related condition. Last evaluated: 2026-05-12. Review status: criteria provided, single submitter. Criteria: ACMG Guidelines, 2015. Collection method: clinical testing. Allele origin: germline.
Comment: The HOMER2 c.619T>A variant is predicted to result in the amino acid substitution p.Cys207Ser. To our knowledge, this variant has not been reported in the literature or in a large population database (gnomAD), indicating this variant is rare. At this time, the clinical significance of this variant is uncertain due to the absence of conclusive functional and genetic evidence.